The following is an entry in ClinVar:

NM_000551.4(VHL):c.530G>C (p.Arg177Thr)

Genes: VHL (von Hippel-Lindau tumor suppressor; plus strand), LOC107303340 (3p25 von Hippel-Lindau tumor suppressor, E3 ubiquitin protein ligase Alu-mediated recombination region; plus strand). Cytogenetic location: 3p25.3.
Variant type: single nucleotide variant.
Coding change: c.530G>C on transcript NM_000551.4 (MANE Select); coding-DNA position 530, G replaced by C.
Protein change: p.Arg177Thr; replaces arginine 177 with threonine.
Molecular consequence: missense variant. On other transcripts: 3 prime UTR variant (1).
Genome position (GRCh38, 1-based): chr3:10,149,853, G>C. VCF-style: chr3-10149853-G-C. GRCh37 (hg19) VCF-style: chr3-10191537-G-C.
Other names: c.*84G>C (NM_001354723.2); c.407G>C, p.Arg136Thr (NM_198156.3); short protein forms R136T, R177T.
Identifiers: ClinVar variation 1518457 (VCV001518457.11), dbSNP rs1470394966, ClinGen allele CA351756242.

ClinVar aggregate classification (germline): Uncertain significance. Review status: criteria provided, multiple submitters, no conflicts (2 of 4 stars). 3 submissions from 3 submitters: Uncertain significance (3). Last evaluated 2024-04-09.

Conditions:
Von Hippel-Lindau syndrome (VHLS). Also called: VHL syndrome; von Hippel–Lindau syndrome; Von Hippel-Lindau. Identifiers: Orphanet 892, MedGen C0019562, MONDO:0008667, OMIM 193300. Disease mechanism: loss of function.
Chuvash polycythemia. Also called: POLYCYTHEMIA, VHL-DEPENDENT. Identifiers: Orphanet 238557, MedGen C1837915, MONDO:0009892, OMIM 263400.
Nonpapillary renal cell carcinoma. Identifiers: Orphanet 422526, MedGen CN074294, MONDO:0007763, OMIM 144700.
Pheochromocytoma. Also called: MAX-Related Hereditary Paraganglioma-Pheochromocytoma Syndrome. Identifiers: Orphanet 29072, MedGen C0031511, MONDO:0008233, OMIM 171300, HP:0002666.

Allele frequency attached by ClinVar (database versions not stated): gnomAD exomes below 0.00001; TOPMed below 0.00001.
gnomAD v4.1: 1 of 1,614,190 alleles (0.000062%); highest among the groups gnomAD compares: Admixed American, 0.0017%; no homozygotes.

Submissions (3):

Fulgent Genetics
Classification: Uncertain significance for Nonpapillary renal cell carcinoma; Pheochromocytoma; Von Hippel-Lindau syndrome; Chuvash polycythemia. Last evaluated: 2024-04-09. Review status: criteria provided, single submitter. Criteria: ACMG Guidelines, 2015. Collection method: clinical testing. Allele origin: germline.

All of Us Research Program, National Institutes of Health
Classification: Uncertain significance for Von Hippel-Lindau syndrome. Last evaluated: 2023-08-28. Review status: criteria provided, single submitter. Criteria: ACMG Guidelines, 2015. Collection method: clinical testing. Allele origin: germline. Inheritance: Autosomal dominant inheritance. Observed: 1 variant allele, 1 heterozygote.
Comment: This missense variant replaces arginine with threonine at codon 177 of the VHL protein. Computational prediction suggests that this variant may not impact protein structure and function (internally defined REVEL score threshold <= 0.5, PMID: 27666373). To our knowledge, functional studies have not been reported for this variant. This variant has not been reported in individuals affected with VHL-related disorders in the literature. This variant has been identified in 1/251424 chromosomes in the general population by the Genome Aggregation Database (gnomAD). The available evidence is insufficient to determine the role of this variant in disease conclusively. Therefore, this variant is classified as a Variant of Uncertain Significance.

This study involves interpretation of variants in research participants for the purpose of population health screening. Participant phenotype was not available at the time of variant classification. Additional details can be found in publication PMID: 35346344, PMCID: PMC8962531

Labcorp Genetics (formerly Invitae), Labcorp
Classification: Uncertain significance for Von Hippel-Lindau syndrome; Chuvash polycythemia. Last evaluated: 2021-01-25. Review status: criteria provided, single submitter. Criteria: Invitae Variant Classification Sherloc (09022015). Collection method: clinical testing. Allele origin: germline.
Comment: In summary, the available evidence is currently insufficient to determine the role of this variant in disease. Therefore, it has been classified as a Variant of Uncertain Significance. Advanced modeling of protein sequence and biophysical properties (such as structural, functional, and spatial information, amino acid conservation, physicochemical variation, residue mobility, and thermodynamic stability) performed at Invitae indicates that this missense variant is expected to disrupt VHL protein function. This variant has not been reported in the literature in individuals with VHL-related conditions. This variant is not present in population databases (ExAC no frequency). This sequence change replaces arginine with threonine at codon 177 of the VHL protein (p.Arg177Thr). The arginine residue is moderately conserved and there is a moderate physicochemical difference between arginine and threonine.